The following is an entry in ClinVar:

ClinVar aggregate classification (germline): Pathogenic (1 of 4 stars; one submission).

Conditions:
Hyper-IgM syndrome type 1. Also called: Hyper-IgM Immunodeficiency Syndrome, Type 1; X-linked hyper-IgM syndrome; CD40 Ligand Deficiency; Immunodeficiency, X-linked, with hyper-IgM. Identifiers: Orphanet 101088, MedGen C0398689, MONDO:0010626, OMIM 308230.

Submission:

Labcorp Genetics (formerly Invitae), Labcorp
Classification: Pathogenic for Hyper-IgM syndrome type 1. Last evaluated: 2023-06-15. Review status: criteria provided, single submitter. Criteria: Invitae Variant Classification Sherloc (09022015). Collection method: clinical testing. Allele origin: germline.
Comment: For these reasons, this variant has been classified as Pathogenic. ClinVar contains an entry for this variant (Variation ID: 2039120). This variant has not been reported in the literature in individuals affected with CD40LG-related conditions. This variant is not present in population databases (gnomAD no frequency). This sequence change creates a premature translational stop signal (p.Leu100*) in the CD40LG gene. It is expected to result in an absent or disrupted protein product. Loss-of-function variants in CD40LG are known to be pathogenic (PMID: 15319456).

Literature cited by the submitters: PubMed 15319456.

NM_000074.3(CD40LG):c.299T>A (p.Leu100Ter)

Gene: CD40LG (CD40 ligand; plus strand). Cytogenetic location: Xq26.3.
Variant type: single nucleotide variant.
Coding change: c.299T>A on transcript NM_000074.3 (MANE Select); coding-DNA position 299, T replaced by A.
Protein change: p.Leu100Ter; replaces leucine 100 with a stop codon.
Molecular consequence: nonsense.
Genome position (GRCh38, 1-based): chrX:136,654,383, T>A. VCF-style: chrX-136654383-T-A. GRCh37 (hg19) VCF-style: chrX-135736542-T-A.
Other names: short protein forms L100*.
Identifiers: ClinVar variation 2039120 (VCV002039120.4), dbSNP rs2522111616, ClinGen allele CA414754560.
Genomic context (GRCh38, chrX:136,654,383, plus strand): 5'-CACAGCAGAGCCCCTGTCAAAATGACCTCTTGCAATGCTTCTTATTTTAGGATATAATGT[T>A]AAACAAAGAGGAGACGAAGAAAGAAAACAGCTTTGAAATGCAAAAAGGTAGGTTTGCTAT-3'